The following is an entry in ClinVar:

ClinVar aggregate classification (germline): Pathogenic (1 of 4 stars; one submission).

Conditions:
Combined immunodeficiency due to LRBA deficiency. Also called: Common variable immunodeficiency 8, with autoimmunity. Identifiers: Orphanet 445018, MedGen C3553512, MONDO:0013863, OMIM 614700.

Submission:

Labcorp Genetics (formerly Invitae), Labcorp
Classification: Pathogenic for Combined immunodeficiency due to LRBA deficiency. Last evaluated: 2023-04-06. Review status: criteria provided, single submitter. Criteria: Invitae Variant Classification Sherloc (09022015). Collection method: clinical testing. Allele origin: germline.
Comment: For these reasons, this variant has been classified as Pathogenic. This variant has not been reported in the literature in individuals affected with LRBA-related conditions. This variant is a gross deletion of the genomic region encompassing exon(s) 35-37 of the LRBA gene. This deletion is out-of-frame, and is expected to create a premature termination codon and result in an absent or disrupted protein product. Loss-of-function variants in LRBA are known to be pathogenic (PMID: 26206937, 26768763).

Literature cited by the submitters: PubMed 26206937; PubMed 26768763.

NC_000004.12:g.(?_150683531)_(150761867_?)del

Gene: LRBA (LPS responsive beige-like anchor protein; minus strand). Cytogenetic location: 4q31.3.
Variant type: Deletion.
Identifiers: ClinVar variation 832311 (VCV000832311.3).